The following is an entry in ClinVar:

NM_015338.6(ASXL1):c.1127_1132del (p.Gly376_Gln377del)

Gene: ASXL1 (ASXL transcriptional regulator 1; plus strand). Cytogenetic location: 20q11.21.
Variant type: Deletion.
Coding change: c.1127_1132del on transcript NM_015338.6 (MANE Select); coding-DNA positions 1127 to 1132, 6 bases deleted (GCCAGG; older notation c.1127_1132delGCCAGG).
Protein change: p.Gly376_Gln377del.
Molecular consequence: inframe deletion. On other transcripts: inframe indel (1).
Genome position (GRCh38, 1-based): chr20:32,433,325-32,433,330, GCCAGG deleted; deleting any 6 consecutive bases within chr20:32,433,323-32,433,330 gives the same sequence; the c. name uses the placement nearest the transcript's 3' end. VCF-style (leftmost placement, unchanged base first): chr20-32433322-TGGGCCA-T. GRCh37 (hg19) VCF-style: chr20-31021125-TGGGCCA-T.
Other names: c.944_949del, p.Gly315_Gln316del (NM_001363734.1); c.1127_1132delGCCAGG, p.Gly376_Gln377del (NM_015338.5).
Identifiers: ClinVar variation 3367313 (VCV003367313.1).

ClinVar aggregate classification (germline): Uncertain significance (1 of 4 stars; one submission).

Submission:

GeneDx
Classification: Uncertain significance. Last evaluated: 2023-12-31. Review status: criteria provided, single submitter. Criteria: GeneDx Variant Classification Process June 2021. Collection method: clinical testing. Allele origin: germline. Affected: yes.
Comment: Not observed at significant frequency in large population cohorts (gnomAD); In-frame deletion of 2 amino acids in a non-repeat region; In silico analysis supports that this variant does not alter protein structure/function; Has not been previously published as pathogenic or benign to our knowledge